The following is an entry in ClinVar:

NM_000474.4(TWIST1):c.454G>A (p.Ala152Thr)

Genes: TWIST1 (twist family bHLH transcription factor 1; minus strand), LOC129998021 (ATAC-STARR-seq lymphoblastoid active region 25682; plus strand). Cytogenetic location: 7p21.1.
Variant type: single nucleotide variant.
Coding change: c.454G>A on transcript NM_000474.4 (MANE Select); coding-DNA position 454, G replaced by A.
Protein change: p.Ala152Thr; replaces alanine 152 with threonine.
Molecular consequence: missense variant. On other transcripts: non-coding transcript variant (1).
Genome position (GRCh38, 1-based): chr7:19,116,868, C>T on the plus strand (G>A on the coding strand, the complement: TWIST1 is on the minus strand). VCF-style: chr7-19116868-C-T. GRCh37 (hg19) VCF-style: chr7-19156491-C-T.
Other names: short protein forms A152T.
Identifiers: ClinVar variation 4783937 (VCV004783937.1).
Genomic context (GRCh38, chr7:19,116,868, plus strand): 5'-TCTTGGAGTCCAGCTCGTCGCTCTGGAGGACCTGGTAGAGGAAGTCGATGTACCTGGCCG[C>T]CAGCTTGAGGGTCTGAATCTTGCTCAGCTTGTCCGAGGGCAGCGTGGGGATGATCTTCCG-3'
Protein context (NP_000465.1, residues 142-162): KLSKIQTLKL[Ala152Thr]ARYIDFLYQV

ClinVar aggregate classification (germline): Uncertain significance (1 of 4 stars; one submission).

Conditions:
Saethre-Chotzen syndrome (SCS). Also called: ACROCEPHALY, SKULL ASYMMETRY, AND MILD SYNDACTYLY; ACS III; CHOTZEN SYNDROME. Identifiers: Orphanet 794, MedGen C0175699, MONDO:0007042, OMIM 101400.
TWIST1-related craniosynostosis (CRS1). Also called: CRANIOSYNOSTOSIS 1. Identifiers: Orphanet 63440, MedGen C4551902, MONDO:0007399, OMIM 123100. Inheritance: Heterogenous inheritance pattern.

gnomAD v4.1: 2 of 1,614,052 alleles (0.00012%); highest among the groups gnomAD compares: Non-Finnish European, 0.00017%; no homozygotes.

Submission:

Labcorp Genetics (formerly Invitae), Labcorp
Classification: Uncertain significance for TWIST1-related craniosynostosis; Saethre-Chotzen syndrome. Last evaluated: 2025-10-12. Review status: criteria provided, single submitter. Criteria: Invitae Variant Classification Sherloc (09022015). Collection method: clinical testing. Allele origin: germline.
Comment: This sequence change replaces alanine, which is neutral and non-polar, with threonine, which is neutral and polar, at codon 152 of the TWIST1 protein (p.Ala152Thr). This variant is present in population databases (rs754179756, gnomAD 0.002%). This variant has not been reported in the literature in individuals affected with TWIST1-related conditions. An algorithm developed to predict the effect of missense changes on protein structure and function (PolyPhen-2) suggests that this variant is likely to be disruptive. This variant disrupts the p.Ala152 amino acid residue in TWIST1. Other variant(s) that disrupt this residue have been determined to be pathogenic (PMID: 9585583, 35591945; internal data). This suggests that this residue is clinically significant, and that variants that disrupt this residue are likely to be disease-causing. In summary, the available evidence is currently insufficient to determine the role of this variant in disease. Therefore, it has been classified as a Variant of Uncertain Significance.

Literature cited by the submitters: PubMed 9585583; PubMed 35591945.